The following is an entry in ClinVar:

ClinVar aggregate classification (germline): Uncertain significance (1 of 4 stars; one submission).

Conditions:
Early-infantile DEE. Also called: Early infantile epileptic encephalopathy; Ohtahara syndrome; Early infantile epileptic encephalopathy with suppression bursts. Identifiers: Orphanet 1934, MedGen C0393706, MONDO:0800491.

Submission:

Labcorp Genetics (formerly Invitae), Labcorp
Classification: Uncertain significance for Early-infantile DEE. Last evaluated: 2025-01-06. Review status: criteria provided, single submitter. Criteria: Invitae Variant Classification Sherloc (09022015). Collection method: clinical testing. Allele origin: germline.
Comment: This sequence change replaces leucine, which is neutral and non-polar, with proline, which is neutral and non-polar, at codon 94 of the CACNA2D2 protein (p.Leu94Pro). This variant is not present in population databases (gnomAD no frequency). This variant has not been reported in the literature in individuals affected with CACNA2D2-related conditions. ClinVar contains an entry for this variant (Variation ID: 1391305). An algorithm developed to predict the effect of missense changes on protein structure and function (PolyPhen-2) suggests that this variant is likely to be disruptive. In summary, the available evidence is currently insufficient to determine the role of this variant in disease. Therefore, it has been classified as a Variant of Uncertain Significance.

NM_006030.4(CACNA2D2):c.281T>C (p.Leu94Pro)

Gene: CACNA2D2 (calcium voltage-gated channel auxiliary subunit alpha2delta 2; minus strand). Cytogenetic location: 3p21.31.
Variant type: single nucleotide variant.
Coding change: c.281T>C on transcript NM_006030.4 (MANE Select); coding-DNA position 281, T replaced by C.
Protein change: p.Leu94Pro; replaces leucine 94 with proline.
Molecular consequence: missense variant.
Genome position (GRCh38, 1-based): chr3:50,476,125, A>G on the plus strand (T>C on the coding strand, the complement: CACNA2D2 is on the minus strand). VCF-style: chr3-50476125-A-G. GRCh37 (hg19) VCF-style: chr3-50513556-A-G.
Other names: c.281T>C, p.Leu94Pro (NM_001005505.3, NM_001174051.3); c.74T>C, p.Leu25Pro (NM_001291101.1); short protein forms L25P, L94P.
Identifiers: ClinVar variation 1391305 (VCV001391305.9), dbSNP rs2107089855, ClinGen allele CA353002480.